The following is an entry in ClinVar:

ClinVar aggregate classification (germline): Pathogenic (1 of 4 stars; one submission).

Submission:

Labcorp Genetics (formerly Invitae), Labcorp
Classification: Pathogenic. Last evaluated: 2025-08-17. Review status: criteria provided, single submitter. Criteria: Invitae Variant Classification Sherloc (09022015). Collection method: clinical testing. Allele origin: germline.
Comment: This sequence change creates a premature translational stop signal (p.Ser218Ilefs*3) in the MSH3 gene. It is expected to result in an absent or disrupted protein product. Loss-of-function variants in MSH3 are known to be pathogenic (PMID: 27476653, 37402566). This variant is not present in population databases (gnomAD no frequency). This variant has not been reported in the literature in individuals affected with MSH3-related conditions. ClinVar contains an entry for this variant (Variation ID: 2060689). For these reasons, this variant has been classified as Pathogenic.

Literature cited by the submitters: PubMed 27476653; PubMed 37402566.

NM_002439.5(MSH3):c.651_655del (p.Ser218fs)

Gene: MSH3 (mutS homolog 3; plus strand). Cytogenetic location: 5q14.1.
Variant type: Deletion.
Coding change: c.651_655del on transcript NM_002439.5 (MANE Select); coding-DNA positions 651 to 655, 5 bases deleted (TTCCA; older notation c.651_655delTTCCA).
Protein change: p.Ser218fs; shifts the reading frame from serine 218.
Molecular consequence: frameshift variant.
Genome position (GRCh38, 1-based): chr5:80,670,168-80,670,172, TTCCA deleted. VCF-style (leftmost placement, unchanged base first): chr5-80670167-CTTCCA-C. GRCh37 (hg19) VCF-style: chr5-79965986-CTTCCA-C.
Other names: short protein forms S218fs.
Identifiers: ClinVar variation 2060689 (VCV002060689.4), dbSNP rs2546721102, ClinGen allele CA2580073483.
Genomic context (GRCh38, chr5:80,670,167, plus strand): 5'-TTTTTGATCTCAGTCAGTTTGGATCATCAAATACAAGTCATGAAAATTTACAGAAAACTG[CTTCCA>C]AATCAGCTAACAAACGGTCCAAAAGCATCTATACGCCGCTAGAATTACAATACATAGAAA-3'